The following is an entry in ClinVar:

NM_002691.4(POLD1):c.2007-3C>T

Gene: POLD1 (DNA polymerase delta 1, catalytic subunit; plus strand). Cytogenetic location: 19q13.33.
Variant type: single nucleotide variant.
Coding change: c.2007-3C>T on transcript NM_002691.4 (MANE Select); 3 bases into the intron before coding-DNA position 2007, C replaced by T.
Molecular consequence: intron variant.
Genome position (GRCh38, 1-based): chr19:50,409,516, C>T. VCF-style: chr19-50409516-C-T. GRCh37 (hg19) VCF-style: chr19-50912773-C-T.
Other names: c.2007-3C>T (NM_001256849.1); c.2085-3C>T (NM_001308632.1).
Identifiers: ClinVar variation 1063153 (VCV001063153.7), dbSNP rs2122384225, ClinGen allele CA2499225571.

ClinVar aggregate classification (germline): Uncertain significance (1 of 4 stars; one submission).

Conditions:
POLD1-related polyposis and colorectal cancer syndrome (CRCS10). Also called: Colorectal cancer, susceptibility to, 10; Colorectal cancer 10; COLORECTAL CANCER, SUSCEPTIBILITY TO, ON CHROMOSOME 19q. Identifiers: Orphanet 220460, MedGen C2675481, MONDO:0012953, OMIM 612591.

Submission:

Labcorp Genetics (formerly Invitae), Labcorp
Classification: Uncertain significance for POLD1-related polyposis and colorectal cancer syndrome. Last evaluated: 2024-02-05. Review status: criteria provided, single submitter. Criteria: Invitae Variant Classification Sherloc (09022015). Collection method: clinical testing. Allele origin: germline.
Comment: This sequence change falls in intron 16 of the POLD1 gene. It does not directly change the encoded amino acid sequence of the POLD1 protein. It affects a nucleotide within the consensus splice site. This variant is not present in population databases (gnomAD no frequency). This variant has not been reported in the literature in individuals affected with POLD1-related conditions. ClinVar contains an entry for this variant (Variation ID: 1063153). Variants that disrupt the consensus splice site are a relatively common cause of aberrant splicing (PMID: 17576681, 9536098). Algorithms developed to predict the effect of sequence changes on RNA splicing suggest that this variant is not likely to affect RNA splicing. In summary, the available evidence is currently insufficient to determine the role of this variant in disease. Therefore, it has been classified as a Variant of Uncertain Significance.

Literature cited by the submitters: PubMed 17576681; PubMed 9536098.